The following is an entry in ClinVar:

NM_002941.4(ROBO1):c.296T>C (p.Ile99Thr)

Gene: ROBO1 (roundabout guidance receptor 1; minus strand). Cytogenetic location: 3p12.3.
Variant type: single nucleotide variant.
Coding change: c.296T>C on transcript NM_002941.4 (MANE Select); coding-DNA position 296, T replaced by C.
Protein change: p.Ile99Thr; replaces isoleucine 99 with threonine.
Molecular consequence: missense variant.
Genome position (GRCh38, 1-based): chr3:78,938,804, A>G on the plus strand (T>C on the coding strand, the complement: ROBO1 is on the minus strand). VCF-style: chr3-78938804-A-G. GRCh37 (hg19) VCF-style: chr3-78987954-A-G.
Other names: c.179T>C, p.Ile60Thr (NM_001145844.1, NM_001145845.2, NM_133631.4); c.296T>C (NM_002941.3); short protein forms I60T, I99T.
Identifiers: ClinVar variation 3011036 (VCV003011036.4), dbSNP rs1159458033, ClinGen allele CA353681972.

ClinVar aggregate classification (germline): Uncertain significance. Review status: criteria provided, multiple submitters, no conflicts (2 of 4 stars). 2 submissions from 2 submitters: Uncertain significance (2). Last evaluated 2025-07-01.

Conditions:
Inborn genetic diseases. Identifiers: MedGen C0950123, MeSH D030342.

Allele frequency attached by ClinVar (database versions not stated): gnomAD exomes below 0.00001.
gnomAD v4.1: 1 of 1,614,000 alleles (0.000062%); highest among the groups gnomAD compares: South Asian, 0.0011%; no homozygotes.

Submissions (2):

Ambry Genetics
Classification: Uncertain significance for Inborn genetic diseases. Last evaluated: 2025-07-01. Review status: criteria provided, single submitter. Criteria: Ambry Variant Classification Scheme 2023. Collection method: clinical testing. Allele origin: germline.

Labcorp Genetics (formerly Invitae), Labcorp
Classification: Uncertain significance. Last evaluated: 2024-01-22. Review status: criteria provided, single submitter. Criteria: Invitae Variant Classification Sherloc (09022015). Collection method: clinical testing. Allele origin: germline.
Comment: This sequence change replaces isoleucine, which is neutral and non-polar, with threonine, which is neutral and polar, at codon 99 of the ROBO1 protein (p.Ile99Thr). This variant is present in population databases (no rsID available, gnomAD 0.003%). This variant has not been reported in the literature in individuals affected with ROBO1-related conditions. An algorithm developed to predict the effect of missense changes on protein structure and function (PolyPhen-2) suggests that this variant is likely to be disruptive. In summary, the available evidence is currently insufficient to determine the role of this variant in disease. Therefore, it has been classified as a Variant of Uncertain Significance.